The following is an entry in ClinVar:

NM_152564.5(VPS13B):c.11746-3T>C

Gene: VPS13B (vacuolar protein sorting 13 homolog B; plus strand). Cytogenetic location: 8q22.2.
Variant type: single nucleotide variant.
Coding change: c.11746-3T>C on transcript NM_152564.5 (MANE Select); 3 bases into the intron before coding-DNA position 11746, T replaced by C.
Molecular consequence: intron variant.
Genome position (GRCh38, 1-based): chr8:99,875,415, T>C. VCF-style: chr8-99875415-T-C. GRCh37 (hg19) VCF-style: chr8-100887643-T-C.
Other names: c.11821-3T>C (NM_017890.5).
Identifiers: ClinVar variation 2083708 (VCV002083708.1), dbSNP rs759013203, ClinGen allele CA4825335.

ClinVar aggregate classification (germline): Uncertain significance (1 of 4 stars; one submission).

Conditions:
Cohen syndrome (COH1). Also called: PEPPER SYNDROME; Cutis verticis gyrata, retinitis pigmentosa, and sensorineural deafness. Identifiers: Orphanet 193, MedGen C0265223, MONDO:0008999, OMIM 216550.

Allele frequency attached by ClinVar (database versions not stated): gnomAD exomes below 0.00001; ExAC 0.00001; gnomAD 0.00001.
gnomAD v4.1: 8 of 1,614,076 alleles (0.0005%); highest among the groups gnomAD compares: South Asian, 0.0088%; no homozygotes.

Submission:

Labcorp Genetics (formerly Invitae), Labcorp
Classification: Uncertain significance for Cohen syndrome. Last evaluated: 2022-06-12. Review status: criteria provided, single submitter. Criteria: Invitae Variant Classification Sherloc (09022015). Collection method: clinical testing. Allele origin: germline.
Comment: This sequence change falls in intron 61 of the VPS13B gene. It does not directly change the encoded amino acid sequence of the VPS13B protein. It affects a nucleotide within the consensus splice site. This variant is present in population databases (rs759013203, gnomAD 0.01%). This variant has not been reported in the literature in individuals affected with VPS13B-related conditions. Variants that disrupt the consensus splice site are a relatively common cause of aberrant splicing (PMID: 17576681, 9536098). Algorithms developed to predict the effect of sequence changes on RNA splicing suggest that this variant is not likely to affect RNA splicing. In summary, the available evidence is currently insufficient to determine the role of this variant in disease. Therefore, it has been classified as a Variant of Uncertain Significance.

Literature cited by the submitters: PubMed 17576681; PubMed 9536098.